The following is an entry in ClinVar:

ClinVar aggregate classification (germline): Uncertain significance (1 of 4 stars; one submission).

Allele frequency attached by ClinVar (database versions not stated): gnomAD exomes below 0.00001.
gnomAD v4.1: 4 of 1,612,600 alleles (0.00025%); highest among the groups gnomAD compares: South Asian, 0.0033%; no homozygotes.

Submission:

GeneDx
Classification: Uncertain significance. Last evaluated: 2022-12-19. Review status: criteria provided, single submitter. Criteria: GeneDx Variant Classification Process June 2021. Collection method: clinical testing. Allele origin: germline. Affected: yes.
Comment: Not observed at significant frequency in large population cohorts (gnomAD); In silico analysis supports that this missense variant has a deleterious effect on protein structure/function; Has not been previously published as pathogenic or benign to our knowledge

NM_001242896.3(DEPDC5):c.2629C>T (p.Pro877Ser)

Gene: DEPDC5 (DEP domain containing 5, GATOR1 subcomplex subunit; plus strand). Cytogenetic location: 22q12.3.
Variant type: single nucleotide variant.
Coding change: c.2629C>T on transcript NM_001242896.3 (MANE Select); coding-DNA position 2629, C replaced by T.
Protein change: p.Pro877Ser; replaces proline 877 with serine.
Molecular consequence: missense variant. On other transcripts: non-coding transcript variant (5).
Genome position (GRCh38, 1-based): chr22:31,843,208, C>T. VCF-style: chr22-31843208-C-T. GRCh37 (hg19) VCF-style: chr22-32239194-C-T.
Other names: c.2602C>T, p.Pro868Ser (NM_001136029.4, NM_001369903.1, NM_014662.6); c.2395C>T, p.Pro799Ser (NM_001242897.2, NM_001363854.2, NM_001364319.2); c.2629C>T, p.Pro877Ser (NM_001363852.2, NM_001364318.2, NM_001364320.2); c.2545C>T, p.Pro849Ser (NM_001369901.1, NM_001369902.1); short protein forms P799S, P849S, P868S, P877S.
Identifiers: ClinVar variation 2505826 (VCV002505826.1), dbSNP rs2520092573, ClinGen allele CA411289267.